The following is an entry in ClinVar:

NM_020461.4(TUBGCP6):c.3241G>A (p.Gly1081Arg)

Gene: TUBGCP6 (tubulin gamma complex component 6; minus strand). Cytogenetic location: 22q13.33.
Variant type: single nucleotide variant.
Coding change: c.3241G>A on transcript NM_020461.4 (MANE Select); coding-DNA position 3241, G replaced by A.
Protein change: p.Gly1081Arg; replaces glycine 1081 with arginine.
Molecular consequence: missense variant.
Genome position (GRCh38, 1-based): chr22:50,221,118, C>T on the plus strand (G>A on the coding strand, the complement: TUBGCP6 is on the minus strand). VCF-style: chr22-50221118-C-T. GRCh37 (hg19) VCF-style: chr22-50659547-C-T.
Other names: c.3241G>A (NM_020461.3); short protein forms G1081R.
Identifiers: ClinVar variation 1026671 (VCV001026671.5), dbSNP rs752428490, ClinGen allele CA10308010.

ClinVar aggregate classification (germline): Uncertain significance. Review status: criteria provided, multiple submitters, no conflicts (2 of 4 stars). 2 submissions from 2 submitters: Uncertain significance (2). Last evaluated 2023-10-13.

Conditions:
Inborn genetic diseases. Identifiers: MedGen C0950123, MeSH D030342.

Allele frequency attached by ClinVar (database versions not stated): gnomAD exomes 0.00003; ExAC 0.00003; gnomAD 0.00004; TOPMed 0.00003.
gnomAD v4.1: 59 of 1,613,308 alleles (0.0037%); highest among the groups gnomAD compares: Middle Eastern, 0.016%; no homozygotes.

Submissions (2):

Ambry Genetics
Classification: Uncertain significance for Inborn genetic diseases. Last evaluated: 2023-10-13. Review status: criteria provided, single submitter. Criteria: Ambry Variant Classification Scheme 2023. Collection method: clinical testing. Allele origin: germline.

Labcorp Genetics (formerly Invitae), Labcorp
Classification: Uncertain significance. Last evaluated: 2023-08-17. Review status: criteria provided, single submitter. Criteria: Invitae Variant Classification Sherloc (09022015). Collection method: clinical testing. Allele origin: germline.
Comment: In summary, the available evidence is currently insufficient to determine the role of this variant in disease. Therefore, it has been classified as a Variant of Uncertain Significance. Algorithms developed to predict the effect of missense changes on protein structure and function output the following: SIFT: "Not Available"; PolyPhen-2: "Possibly Damaging"; Align-GVGD: "Not Available". The arginine amino acid residue is found in multiple mammalian species, which suggests that this missense change does not adversely affect protein function. ClinVar contains an entry for this variant (Variation ID: 1026671). This variant has not been reported in the literature in individuals affected with TUBGCP6-related conditions. This variant is present in population databases (rs752428490, gnomAD 0.02%). This sequence change replaces glycine, which is neutral and non-polar, with arginine, which is basic and polar, at codon 1081 of the TUBGCP6 protein (p.Gly1081Arg).